The following is an entry in ClinVar:

NM_000540.3(RYR1):c.6192G>A (p.Met2064Ile)

Gene: RYR1 (ryanodine receptor 1; plus strand). Cytogenetic location: 19q13.2.
Variant type: single nucleotide variant.
Coding change: c.6192G>A on transcript NM_000540.3 (MANE Select); coding-DNA position 6192, G replaced by A.
Protein change: p.Met2064Ile; replaces methionine 2064 with isoleucine.
Molecular consequence: missense variant.
Genome position (GRCh38, 1-based): chr19:38,492,554, G>A. VCF-style: chr19-38492554-G-A. GRCh37 (hg19) VCF-style: chr19-38983194-G-A.
Other names: c.6192G>A, p.Met2064Ile (NM_001042723.2); short protein forms M2064I.
Identifiers: ClinVar variation 478247 (VCV000478247.7), dbSNP rs372066850, ClinGen allele CA308100633.
Genomic context (GRCh38, chr19:38,492,554, plus strand): 5'-TCAGCTAGATGGAGAGGAGGAGGAACCAGAGGAAGAGACCACCCTGGGCAGCCGCCTCAT[G>A]AGCCTGTTGGAGAAAGTGCGGCTGGTGAAGAAGAAGGAAGAGAAACCTGAGGAGGAGCGG-3'
Protein context (NP_000531.2, residues 2054-2074): EEETTLGSRL[Met2064Ile]SLLEKVRLVK

ClinVar aggregate classification (germline): Uncertain significance. Review status: criteria provided, multiple submitters, no conflicts (2 of 4 stars). 5 submissions from 5 submitters: Uncertain significance (5). Last evaluated 2026-07-06.

Conditions:
Malignant hyperthermia, susceptibility to, 1 (MHS1). Also called: Anesthesia related hyperthermia; Malignant hyperpyrexia; Fulminating hyperpyrexia; Pharmacogenic myopathy; Malignant hyperthermia suceptibility 1; RYR1-Related Malignant Hyperthermia Susceptibility. Identifiers: Orphanet 423, MedGen C2930980, MONDO:0007783, OMIM 145600.
RYR1-related disorder. Also called: RYR1-related condition; RYR1-related disorders. Identifiers: MedGen CN239331.
Inborn genetic diseases. Identifiers: MedGen C0950123, MeSH D030342.

Allele frequency attached by ClinVar (database versions not stated): TOPMed 0.00001.
gnomAD v4.1: 7 of 1,614,096 alleles (0.00043%); highest among the groups gnomAD compares: Admixed American, 0.0017%; no homozygotes.

Submissions (5):

Ambry Genetics
Classification: Uncertain significance for Inborn genetic diseases. Last evaluated: 2026-07-06. Review status: criteria provided, single submitter. Criteria: Ambry Variant Classification Scheme 2023. Collection method: clinical testing. Allele origin: germline.
Comment: The p.M2064I variant (also known as c.6192G>A), located in coding exon 38 of the RYR1 gene, results from a G to A substitution at nucleotide position 6192. The methionine at codon 2064 is replaced by isoleucine, an amino acid with highly similar properties. This amino acid position is conserved. In addition, this alteration is predicted to be tolerated by in silico analysis. Based on the available evidence, the clinical significance of this variant remains unclear.

Blueprint Genetics
Classification: Uncertain significance. Last evaluated: 2024-11-13. Review status: criteria provided, single submitter. Criteria: ACMG Guidelines, 2015. Collection method: clinical testing. Allele origin: germline.

All of Us Research Program, National Institutes of Health
Classification: Uncertain significance for Malignant hyperthermia, susceptibility to, 1. Last evaluated: 2023-11-30. Review status: criteria provided, single submitter. Criteria: ACMG Guidelines, 2015. Collection method: clinical testing. Allele origin: germline. Inheritance: Autosomal dominant inheritance. Observed: 2 variant alleles, 2 heterozygotes.
Comment: This missense variant replaces methionine with isoleucine at codon 2064 of the RYR1 protein. Computational prediction suggests that this variant may not impact protein structure and function (internally defined REVEL score threshold <= 0.5, PMID: 27666373). To our knowledge, functional studies have not been reported for this variant. This variant has not been reported in individuals affected with RYR1-related disorders in the literature. This variant has been identified in 1/251328 chromosomes in the general population by the Genome Aggregation Database (gnomAD). The available evidence is insufficient to determine the role of this variant in disease conclusively. Therefore, this variant is classified as a Variant of Uncertain Significance.

This study involves interpretation of variants in research participants for the purpose of population health screening. Participant phenotype was not available at the time of variant classification. Additional details can be found in publication PMID: 35346344, PMCID: PMC8962531

Color Diagnostics, LLC DBA Color Health
Classification: Uncertain significance for Malignant hyperthermia, susceptibility to, 1. Last evaluated: 2023-11-07. Review status: criteria provided, single submitter. Criteria: ACMG Guidelines, 2015. Collection method: clinical testing. Allele origin: germline.
Comment: This missense variant replaces methionine with isoleucine at codon 2064 of the RYR1 protein. Computational prediction suggests that this variant may not impact protein structure and function (internally defined REVEL score threshold <= 0.5, PMID: 27666373). To our knowledge, functional studies have not been reported for this variant. This variant has not been reported in individuals affected with RYR1-related disorders in the literature. This variant has been identified in 1/251328 chromosomes in the general population by the Genome Aggregation Database (gnomAD). The available evidence is insufficient to determine the role of this variant in disease conclusively. Therefore, this variant is classified as a Variant of Uncertain Significance.

Labcorp Genetics (formerly Invitae), Labcorp
Classification: Uncertain significance for RYR1-related disorder. Last evaluated: 2021-08-26. Review status: criteria provided, single submitter. Criteria: Invitae Variant Classification Sherloc (09022015). Collection method: clinical testing. Allele origin: germline.
Comment: This sequence change replaces methionine with isoleucine at codon 2064 of the RYR1 protein (p.Met2064Ile). The methionine residue is moderately conserved and there is a small physicochemical difference between methionine and isoleucine. This variant is not present in population databases (ExAC no frequency). This variant has not been reported in the literature in individuals affected with RYR1-related conditions. Algorithms developed to predict the effect of missense changes on protein structure and function are either unavailable or do not agree on the potential impact of this missense change (SIFT: "Deleterious"; PolyPhen-2: "Benign"; Align-GVGD: "Class C0"). In summary, the available evidence is currently insufficient to determine the role of this variant in disease. Therefore, it has been classified as a Variant of Uncertain Significance.